The following is an entry in ClinVar:

NM_177438.3(DICER1):c.714_715dup (p.Asp239fs)

Gene: DICER1 (dicer 1, ribonuclease III; minus strand). Cytogenetic location: 14q32.13.
Variant type: Duplication.
Coding change: c.714_715dup on transcript NM_177438.3 (MANE Select); coding-DNA positions 714 to 715, 2 bases duplicated (TG; older notation c.714_715dupTG).
Protein change: p.Asp239fs; shifts the reading frame from aspartic acid 239.
Molecular consequence: frameshift variant.
Genome position (GRCh38, 1-based): chr14:95,129,491-95,129,492, CA duplicated on the plus strand (TG on the coding strand, the reverse complement: DICER1 is on the minus strand). VCF-style (leftmost placement, unchanged base first): chr14-95129490-T-TCA. GRCh37 (hg19) VCF-style: chr14-95595827-T-TCA.
Other names: c.714_715dup, p.Asp239fs (NM_001195573.1, NM_001271282.3, NM_001291628.2 and 1 more transcripts); short protein forms D239fs.
Identifiers: ClinVar variation 1074335 (VCV001074335.8), dbSNP rs2140259890, ClinGen allele CA2499222827.

ClinVar aggregate classification (germline): Pathogenic (1 of 4 stars; one submission).

Conditions:
DICER1-related tumor predisposition. Also called: DICER1 syndrome; DICER1-related pleuropulmonary blastoma cancer predisposition syndrome. Identifiers: Orphanet 284343, MedGen C3839822, MONDO:0100216.

Submission:

Labcorp Genetics (formerly Invitae), Labcorp
Classification: Pathogenic for DICER1-related tumor predisposition. Last evaluated: 2020-02-04. Review status: criteria provided, single submitter. Criteria: Invitae Variant Classification Sherloc (09022015). Collection method: clinical testing. Allele origin: germline.
Comment: For these reasons, this variant has been classified as Pathogenic. Loss-of-function variants in DICER1 are known to be pathogenic (PMID: 19556464, 21266384). This variant has not been reported in the literature in individuals with DICER1-related conditions. This variant is not present in population databases (ExAC no frequency). This sequence change creates a premature translational stop signal (p.Asp239Valfs*6) in the DICER1 gene. It is expected to result in an absent or disrupted protein product.

Literature cited by the submitters: PubMed 19556464; PubMed 21266384.